The following is an entry in ClinVar:

NM_000204.5(CFI):c.57+4A>G

Gene: CFI (complement factor I; minus strand). Cytogenetic location: 4q25.
Variant type: single nucleotide variant.
Coding change: c.57+4A>G on transcript NM_000204.5 (MANE Select); 4 bases into the intron after coding-DNA position 57, A replaced by G.
Molecular consequence: intron variant.
Genome position (GRCh38, 1-based): chr4:109,801,911, T>C on the plus strand (A>G on the coding strand, the complement: CFI is on the minus strand). VCF-style: chr4-109801911-T-C. GRCh37 (hg19) VCF-style: chr4-110723067-T-C.
Other names: c.57+4A>G (NM_001375282.1, NM_001375280.1, NM_001375281.1 and 5 more transcripts); c.-128+4A>G (NM_001375284.1).
Identifiers: ClinVar variation 899594 (VCV000899594.9), dbSNP rs757464411, ClinGen allele CA3042372.
Genomic context (GRCh38, chr4:109,801,911, plus strand): 5'-TCTATGTTTTTACAACCTTTAAATTATCAATTAAAATTGTTTGCATAAAGGTTGAATTAC[T>C]TACCTTGCAAAACCTTAAGTGGAAGCACAGAAATAACAGGAAAACATGAAGAAGCTTCAT-3'

ClinVar aggregate classification (germline): Conflicting classifications of pathogenicity. Review status: criteria provided, conflicting classifications (1 of 4 stars). 2 submissions from 2 submitters: Uncertain significance (1); Likely benign (1). Last evaluated 2025-08-15.

Conditions:
Atypical hemolytic-uremic syndrome with I factor anomaly. Also called: HEMOLYTIC UREMIC SYNDROME, ATYPICAL, SUSCEPTIBILITY TO, 3; AHUS, SUSCEPTIBILITY TO, 3. Identifiers: Orphanet 2134, MedGen C2752039, MONDO:0013041, OMIM 612923.

Allele frequency attached by ClinVar (database versions not stated): TOPMed 0.00003; gnomAD exomes 0.00004 and 0.00008; gnomAD 0.00005; ExAC 0.00007.
gnomAD v4.1: 63 of 1,600,058 alleles (0.0039%); highest among the groups gnomAD compares: Non-Finnish European, 0.00068%; no homozygotes.

Submissions (2):

Labcorp Genetics (formerly Invitae), Labcorp
Classification: Uncertain significance. Last evaluated: 2025-08-15. Review status: criteria provided, single submitter. Criteria: Invitae Variant Classification Sherloc (09022015). Collection method: clinical testing. Allele origin: germline.
Comment: This sequence change falls in intron 1 of the CFI gene. It does not directly change the encoded amino acid sequence of the CFI protein. It affects a nucleotide within the consensus splice site. This variant is present in population databases (rs757464411, gnomAD 0.2%). This variant has not been reported in the literature in individuals affected with CFI-related conditions. ClinVar contains an entry for this variant (Variation ID: 899594). Variants that disrupt the consensus splice site are a relatively common cause of aberrant splicing (PMID: 17576681, 9536098). Algorithms developed to predict the effect of sequence changes on RNA splicing suggest that this variant may disrupt the consensus splice site. In summary, the available evidence is currently insufficient to determine the role of this variant in disease. Therefore, it has been classified as a Variant of Uncertain Significance.

Illumina Laboratory Services, Illumina
Classification: Likely benign for Atypical hemolytic-uremic syndrome with I factor anomaly. Last evaluated: 2018-01-12. Review status: criteria provided, single submitter. Criteria: ICSL Variant Classification Criteria 13 December 2019. Collection method: clinical testing. Allele origin: germline.
Comment: This variant was observed in the ICSL laboratory as part of a predisposition screen in an ostensibly healthy population. It had not been previously curated by ICSL or reported in the Human Gene Mutation Database (HGMD: prior to June 1st, 2018), and was therefore a candidate for classification through an automated scoring system. Utilizing variant allele frequency, disease prevalence and penetrance estimates, and inheritance mode, an automated score was calculated to assess if this variant is too frequent to cause the disease. Based on the score and internal cut-off values, a variant classified as likely benign is not then subjected to further curation. The score for this variant resulted in a classification of likely benign for this disease.

Literature cited by the submitters: PubMed 17576681 (cited by Labcorp Genetics (formerly Invitae), Labcorp); PubMed 9536098 (cited by Labcorp Genetics (formerly Invitae), Labcorp).